The following is an entry in ClinVar:

ClinVar aggregate classification (germline): Uncertain significance (1 of 4 stars; one submission).

Conditions:
Hereditary cancer-predisposing syndrome. Also called: Neoplastic Syndromes, Hereditary; Hereditary neoplastic syndrome; Tumor predisposition; Hereditary Cancer Syndrome. Identifiers: Orphanet 140162, MedGen C0027672, MeSH D009386, MONDO:0015356.

Allele frequency attached by ClinVar (database versions not stated): gnomAD exomes below 0.00001; TOPMed below 0.00001.

Submission:

Ambry Genetics
Classification: Uncertain significance for Hereditary cancer-predisposing syndrome. Last evaluated: 2025-01-05. Review status: criteria provided, single submitter. Criteria: Ambry Variant Classification Scheme 2023. Collection method: clinical testing. Allele origin: germline.
Comment: The p.Y186H variant (also known as c.556T>C) is located in coding exon 6 of the EPCAM gene. The tyrosine at codon 186 is replaced by histidine, an amino acid with similar properties. This change occurs in the first base pair of coding exon 6. This amino acid position is conserved. In addition, this alteration is predicted to be deleterious by in silico analysis. Since supporting evidence is limited at this time, the clinical significance of this alteration remains unclear.

NM_002354.3(EPCAM):c.556T>C (p.Tyr186His)

Gene: EPCAM (epithelial cell adhesion molecule; plus strand). Cytogenetic location: 2p21.
Variant type: single nucleotide variant.
Coding change: c.556T>C on transcript NM_002354.3 (MANE Select); coding-DNA position 556, T replaced by C.
Protein change: p.Tyr186His; replaces tyrosine 186 with histidine.
Molecular consequence: missense variant.
Genome position (GRCh38, 1-based): chr2:47,378,953, T>C. VCF-style: chr2-47378953-T-C. GRCh37 (hg19) VCF-style: chr2-47606092-T-C.
Other names: short protein forms Y186H.
Identifiers: ClinVar variation 2477646 (VCV002477646.3), dbSNP rs1280024892, ClinGen allele CA346724089.